The following is an entry in ClinVar:

ClinVar aggregate classification (germline): Uncertain significance (1 of 4 stars; one submission).

Conditions:
Retinoblastoma (RB1). Also called: RETINOBLASTOMA, SOMATIC. Identifiers: Orphanet 790, MedGen C0035335, MeSH D012175, MONDO:0008380, OMIM 180200, HP:0009919. Disease mechanism: loss of function. Inheritance: Both sporadic and heritable forms are tested..

Submission:

Labcorp Genetics (formerly Invitae), Labcorp
Classification: Uncertain significance for Retinoblastoma. Last evaluated: 2024-03-28. Review status: criteria provided, single submitter. Criteria: Invitae Variant Classification Sherloc (09022015). Collection method: clinical testing. Allele origin: germline.
Comment: This variant occurs in a non-coding region of the RB1 gene. It does not change the encoded amino acid sequence of the RB1 protein. This variant is not present in population databases (gnomAD no frequency). This variant has not been reported in the literature in individuals affected with RB1-related conditions. In summary, the available evidence is currently insufficient to determine the role of this variant in disease. Therefore, it has been classified as a Variant of Uncertain Significance.

NM_000321.3(RB1):c.-96del

Gene: RB1 (RB transcriptional corepressor 1; plus strand). Cytogenetic location: 13q14.2.
Variant type: Deletion.
Coding change: c.-96del on transcript NM_000321.3 (MANE Select); 96 bases upstream of the start codon, one base deleted (G; older notation c.-96delG).
Molecular consequence: 5 prime UTR variant.
Genome position (GRCh38, 1-based): chr13:48,303,817, G deleted; the last of 3 consecutive G bases (chr13:48,303,815-48,303,817); deleting any one gives the same sequence. VCF-style (leftmost placement, unchanged base first): chr13-48303814-CG-C. GRCh37 (hg19) VCF-style: chr13-48877950-CG-C.
Other names: c.-96del (NM_001407165.1, NM_001407166.1, NM_001407167.1).
Identifiers: ClinVar variation 3704697 (VCV003704697.2).